The following is an entry in ClinVar:

NM_001130004.2(ACTN1):c.2126C>T (p.Thr709Ile)

Gene: ACTN1 (actinin alpha 1; minus strand). Cytogenetic location: 14q24.1.
Variant type: single nucleotide variant.
Coding change: c.2126C>T on transcript NM_001130004.2 (MANE Select); coding-DNA position 2126, C replaced by T.
Protein change: p.Thr709Ile; replaces threonine 709 with isoleucine.
Molecular consequence: missense variant.
Genome position (GRCh38, 1-based): chr14:68,880,817, G>A on the plus strand (C>T on the coding strand, the complement: ACTN1 is on the minus strand). VCF-style: chr14-68880817-G-A. GRCh37 (hg19) VCF-style: chr14-69347534-G-A.
Other names: c.2126C>T, p.Thr709Ile (NM_001102.4, NM_001130005.2); c.2126C>T (NM_001130004.1); short protein forms T709I.
Identifiers: ClinVar variation 1684464 (VCV001684464.2), dbSNP rs188284396, ClinGen allele CA7242178.
Genomic context (GRCh38, chr14:68,880,817, plus strand): 5'-AGAGCAGAAGGGGCCACGGGCTCCCGAAGAGGAACAAGGCCAGCCCCACCCACCTCCATG[G>A]TGTAGTTGGTGTGCTTGTTGTCGAAGATGAGCGCCTCCTGGATGAGCTGGTGGTCGCCCT-3'
Protein context (NP_001123476.1, residues 699-719): LIFDNKHTNY[Thr709Ile]MEHIRVGWEQ

ClinVar aggregate classification (germline): Uncertain significance. Review status: criteria provided, single submitter (1 of 4 stars). 2 submissions from 2 submitters: Uncertain significance (1). 1 of the submissions does not count toward it. Last evaluated 2024-06-28.

Conditions:
Platelet-type bleeding disorder 15 (BDPLT15). Also called: MACROTHROMBOCYTOPENIA, AUTOSOMAL DOMINANT, ACTN1-RELATED. Identifiers: Orphanet 140957, MedGen C3554663, MONDO:0014078, OMIM 615193.
Inborn genetic diseases. Identifiers: MedGen C0950123, MeSH D030342.

Allele frequency attached by ClinVar (database versions not stated): gnomAD exomes 0.00002 and 0.00009; TOPMed 0.00003; gnomAD 0.00004 and 0.00005; ExAC 0.00012; 1000 Genomes Project 30x 0.00016; 1000 Genomes Project 0.00020.
gnomAD v4.1: 32 of 1,614,122 alleles (0.002%); highest among the groups gnomAD compares: East Asian, 0.067%; no homozygotes.

Submissions (2):

Ambry Genetics
Classification: Uncertain significance for Inborn genetic diseases. Last evaluated: 2024-06-28. Review status: criteria provided, single submitter. Criteria: Ambry Variant Classification Scheme 2023. Collection method: clinical testing. Allele origin: germline.

ISTH-SSC Genomics in Thrombosis and Hemostasis, KU Leuven, Center for Molecular and Vascular Biology
Classification: Likely benign for Platelet-type bleeding disorder 15. Review status: no assertion criteria provided. Collection method: research. Allele origin: unknown. Affected: yes. Not counted in ClinVar's aggregate classification.
Comment: Submitted to GoldVariant by Dr Marie-Christine Morel-Kopp from Northern Blood Research Centre, Sydney, Australia